The following is an entry in ClinVar:

NM_001130009.3(GEN1):c.1049G>A (p.Arg350Lys)

Gene: GEN1 (GEN1 structure-specific endonuclease; plus strand). Cytogenetic location: 2p24.2.
Variant type: single nucleotide variant.
Coding change: c.1049G>A on transcript NM_001130009.3 (MANE Select); coding-DNA position 1049, G replaced by A.
Protein change: p.Arg350Lys; replaces arginine 350 with lysine.
Molecular consequence: missense variant.
Genome position (GRCh38, 1-based): chr2:17,773,277, G>A. VCF-style: chr2-17773277-G-A. GRCh37 (hg19) VCF-style: chr2-17954544-G-A.
Other names: c.1049G>A, p.Arg350Lys (NM_182625.5); short protein forms R350K.
Identifiers: ClinVar variation 1354724 (VCV001354724.8), dbSNP rs2125149259, ClinGen allele CA345918667.

ClinVar aggregate classification (germline): Uncertain significance (1 of 4 stars; one submission).

gnomAD v4.1: 1 of 1,592,764 alleles (0.000063%); highest among the groups gnomAD compares: Middle Eastern, 0.021%; no homozygotes.

Submission:

Labcorp Genetics (formerly Invitae), Labcorp
Classification: Uncertain significance. Last evaluated: 2022-08-22. Review status: criteria provided, single submitter. Criteria: Invitae Variant Classification Sherloc (09022015). Collection method: clinical testing. Allele origin: germline.
Comment: This variant is not present in population databases (gnomAD no frequency). In summary, the available evidence is currently insufficient to determine the role of this variant in disease. Therefore, it has been classified as a Variant of Uncertain Significance. Algorithms developed to predict the effect of sequence changes on RNA splicing suggest that this variant may disrupt the consensus splice site. Algorithms developed to predict the effect of missense changes on protein structure and function are either unavailable or do not agree on the potential impact of this missense change (SIFT: "Tolerated"; PolyPhen-2: "Possibly Damaging"; Align-GVGD: "Class C0"). ClinVar contains an entry for this variant (Variation ID: 1354724). This variant has not been reported in the literature in individuals affected with GEN1-related conditions. This sequence change replaces arginine, which is basic and polar, with lysine, which is basic and polar, at codon 350 of the GEN1 protein (p.Arg350Lys).